The following is an entry in ClinVar:

NM_001206927.2(DNAH8):c.2945A>G (p.Lys982Arg)

Gene: DNAH8 (dynein axonemal heavy chain 8; plus strand). Cytogenetic location: 6p21.2.
Variant type: single nucleotide variant.
Coding change: c.2945A>G on transcript NM_001206927.2 (MANE Select); coding-DNA position 2945, A replaced by G.
Protein change: p.Lys982Arg; replaces lysine 982 with arginine.
Molecular consequence: missense variant.
Genome position (GRCh38, 1-based): chr6:38,803,222, A>G. VCF-style: chr6-38803222-A-G. GRCh37 (hg19) VCF-style: chr6-38770998-A-G.
Other names: c.2294A>G, p.Lys765Arg (NM_001371.4); short protein forms K765R, K982R.
Identifiers: ClinVar variation 1385843 (VCV001385843.6), dbSNP rs2150296679, ClinGen allele CA363993889.
Genomic context (GRCh38, chr6:38,803,222, plus strand): 5'-ATTTCTTTATTTAACAGACATACACAAAAGAATGGGCTGACATTCTAAACCACAAAAGTA[A>G]GCATGTGGAAGAAGCTGTCAGAGAACTTATATCAATATTTGAGCAGATTTATGAAGTGAA-3'
Protein context (NP_001193856.1, residues 972-992): EWADILNHKS[Lys982Arg]HVEEAVRELI

ClinVar aggregate classification (germline): Uncertain significance (1 of 4 stars; one submission).

Conditions:
Primary ciliary dyskinesia. Also called: Ciliary dyskinesia. Identifiers: Orphanet 244, MedGen C0008780, MONDO:0016575, HP:0012265.

Submission:

Labcorp Genetics (formerly Invitae), Labcorp
Classification: Uncertain significance for Primary ciliary dyskinesia. Last evaluated: 2021-10-10. Review status: criteria provided, single submitter. Criteria: Invitae Variant Classification Sherloc (09022015). Collection method: clinical testing. Allele origin: germline.
Comment: In summary, the available evidence is currently insufficient to determine the role of this variant in disease. Therefore, it has been classified as a Variant of Uncertain Significance. Algorithms developed to predict the effect of missense changes on protein structure and function output the following: SIFT: "Tolerated"; PolyPhen-2: "Not Available"; Align-GVGD: "Class C0". The arginine amino acid residue is found in multiple mammalian species, which suggests that this missense change does not adversely affect protein function. This variant has not been reported in the literature in individuals affected with DNAH8-related conditions. This variant is not present in population databases (ExAC no frequency). This sequence change replaces lysine with arginine at codon 982 of the DNAH8 protein (p.Lys982Arg). The lysine residue is weakly conserved and there is a small physicochemical difference between lysine and arginine.